The following is an entry in ClinVar:

ClinVar aggregate classification (germline): Benign/Likely benign. Review status: criteria provided, multiple submitters, no conflicts (2 of 4 stars). 6 submissions from 6 submitters: Benign (5); Likely benign (1). Last evaluated 2025-02-16.

Conditions:
Hypoalphalipoproteinemia, primary, 1. Identifiers: Orphanet 425, MedGen C5231558, MONDO:0011393, OMIM 604091.
Tangier disease (TGD). Also called: HIGH DENSITY LIPOPROTEIN DEFICIENCY, TANGIER TYPE; HIGH DENSITY LIPOPROTEIN DEFICIENCY, TYPE 1; Cholesterol thesaurismosis. Identifiers: Orphanet 31150, MedGen C0039292, MONDO:0008783, OMIM 205400.

Submissions (6):

Laboratory of Genetics, Children's Clinical University Hospital Latvia
Classification: Benign. Last evaluated: 2025-02-16. Review status: criteria provided, single submitter. Criteria: ACMG Guidelines, 2015. Collection method: clinical testing. Allele origin: germline. Affected: yes.

Blueprint Genetics
Classification: Likely benign. Last evaluated: 2024-11-27. Review status: criteria provided, single submitter. Criteria: ACMG Guidelines, 2015. Collection method: clinical testing. Allele origin: germline.

Fulgent Genetics
Classification: Benign for Tangier disease; Hypoalphalipoproteinemia, primary, 1. Last evaluated: 2021-09-11. Review status: criteria provided, single submitter. Criteria: ACMG Guidelines, 2015. Collection method: clinical testing. Allele origin: unknown.

Women's Health and Genetics/Laboratory Corporation of America, LabCorp
Classification: Benign. Last evaluated: 2019-09-16. Review status: criteria provided, single submitter. Criteria: LabCorp Variant Classification Summary - May 2015. Collection method: clinical testing. Allele origin: germline.
Comment: Variant summary: ABCA1 c.5383-5_5383-3dupTTT alters nucleotides located close to a canonical splice site and therefore could affect mRNA splicing, leading to a significantly altered protein sequence. 5/5 computational tools predict no significant impact on normal splicing. However, these predictions have yet to be confirmed by functional studies. The variant allele was found at a frequency of 0.24 in 72042 control chromosomes in the gnomAD database, including 2012 homozygotes. The observed variant frequency is approximately 18986 folds over the estimated maximal expected allele frequency for a pathogenic variant in ABCA1 causing Early Onset Coronary Artery Disease phenotype (1.3e-05), strongly suggesting that the variant is benign. To our knowledge, no occurrence of c.5383-5_5383-3dupTTT in individuals affected with Early Onset Coronary Artery Disease and no experimental evidence demonstrating its impact on protein function have been reported. A ClinVar submission (evaluation after 2014) cites the variant as benign. Based on the evidence outlined above, the variant was classified as benign.

GeneDx
Classification: Benign. Last evaluated: 2019-08-06. Review status: criteria provided, single submitter. Criteria: GeneDx Variant Classification Process June 2021. Collection method: clinical testing. Allele origin: germline. Affected: yes.

Mayo Clinic Laboratories, Mayo Clinic
Classification: Benign. Last evaluated: 2017-11-15. Review status: criteria provided, single submitter. Criteria: ACMG Guidelines, 2015. Collection method: clinical testing. Allele origin: germline. Observed: 898 variant alleles.

NM_005502.4(ABCA1):c.5383-20_5383-18dup

Gene: ABCA1 (ATP binding cassette subfamily A member 1; minus strand). Cytogenetic location: 9q31.1.
Variant type: Duplication.
Coding change: c.5383-20_5383-18dup on transcript NM_005502.4 (MANE Select); 20 bases into the intron before coding-DNA position 5383 through 18 bases into the intron before coding-DNA position 5383, 3 bases duplicated (TTT; older notation c.5383-20_5383-18dupTTT).
Molecular consequence: intron variant.
Genome position (GRCh38, 1-based): chr9:104,794,513-104,794,515, AAA duplicated on the plus strand (TTT on the coding strand, the reverse complement: ABCA1 is on the minus strand); duplicating any 3 consecutive bases within chr9:104,794,513-104,794,530 gives the same sequence; the c. name uses the placement nearest the transcript's 3' end. VCF-style (leftmost placement, unchanged base first): chr9-104794512-T-TAAA. GRCh37 (hg19) VCF-style: chr9-107556793-T-TAAA.
Other names: p.?; c.5383-5_5383-3dup (NM_005502.4).
Identifiers: ClinVar variation 364391 (VCV000364391.12), dbSNP rs77663187, ClinGen allele CA5167845.